The following is an entry in ClinVar:

NC_000022.11:g.(?_28687887)_(28687996_?)del

Gene: CHEK2 (checkpoint kinase 2; minus strand). Cytogenetic location: 22q12.1.
Variant type: Deletion.
Identifiers: ClinVar variation 644279 (VCV000644279.3).

ClinVar aggregate classification (germline): Likely pathogenic (1 of 4 stars; one submission).

Conditions:
Familial cancer of breast. Also called: hereditary breast carcinoma; BREAST CANCER, FAMILIAL; Hereditary breast cancer. Identifiers: Orphanet 227535, MedGen C0346153, MONDO:0016419, OMIM 114480. Disease mechanism: loss of function.

Submission:

Labcorp Genetics (formerly Invitae), Labcorp
Classification: Likely pathogenic for Hereditary Breast Carcinoma. Last evaluated: 2019-11-22. Review status: criteria provided, single submitter. Criteria: Invitae Variant Classification Sherloc (09022015). Collection method: clinical testing. Allele origin: germline.
Comment: This variant is a gross deletion of the genomic region encompassing exon 15 of the CHEK2 gene. The 5' boundary is likely confined to intron 14. The 3' end of this event is unknown as it extends through the termination codon beyond the assayed region for this gene and may encompass additional genes. While this deletion is not anticipated to result in nonsense mediated decay, it is expected to create a truncated CHEK2 protein. A gross deletion of exon 15 has not been reported in the literature in individuals with a CHEK2-related disease. Deletion of exon 15 is expected to delete a portion of the C-terminal region of the CHEK2 protein containing the nuclear localization signal (NLS) (residues Pro515-Pro522) (PMID: 12909615, 18004398). Although experimental studies have not been performed for this particular deletion, disruption of the NLS likely impairs CHEK2 function, as variants within the NLS result in CHEK2 mislocalization to the cytoplasm (PMID: 12909615, 18004398, 24879340). This suggests that deletion of this region of the CHEK2 protein is causative of disease. In summary, the currently available evidence indicates that the variant is pathogenic, but additional data are needed to prove that conclusively. Therefore, this variant has been classified as Likely Pathogenic.

Literature cited by the submitters: PubMed 24879340; PubMed 18004398; PubMed 12909615.